The following is an entry in ClinVar:

NM_000051.4(ATM):c.5919-1del

Genes: ATM (ATM serine/threonine kinase; plus strand), C11orf65 (chromosome 11 open reading frame 65; minus strand). Cytogenetic location: 11q22.3.
Variant type: Deletion.
Coding change: c.5919-1del on transcript NM_000051.4 (MANE Select); the canonical splice acceptor site of the intron before coding-DNA position 5919, one base deleted (G; older notation c.5919-1delG).
Molecular consequence: splice acceptor variant. On other transcripts: intron variant (2).
Genome position (GRCh38, 1-based): chr11:108,312,410, G deleted. VCF-style (leftmost placement, unchanged base first): chr11-108312409-AG-A. GRCh37 (hg19) VCF-style: chr11-108183136-AG-A.
Other names: c.5919-1del (NM_001351834.2); c.641-3339del (NM_001330368.2); c.*39-3339del (NM_001351110.2).
Identifiers: ClinVar variation 921306 (VCV000921306.5), dbSNP rs2084240759, ClinGen allele CA913188497.
Genomic context (GRCh38, chr11:108,312,409, plus strand): 5'-ATGTATTCAGGAGCTTCCAAATAGTATGTTCTCATTAAAAGAGGTGTTCTTGTGACAAAC[AG>A]AAGTCTTGCATTTGAAGAAGGAAGCCAGAGTACAACTATTTCTAGCTTGAGTGAAAAAAG-3'

ClinVar aggregate classification (germline): Likely pathogenic (1 of 4 stars; one submission).

Conditions:
Hereditary cancer-predisposing syndrome. Also called: Tumor predisposition; Neoplastic Syndromes, Hereditary; Hereditary neoplastic syndrome; Hereditary Cancer Syndrome. Identifiers: Orphanet 140162, MedGen C0027672, MeSH D009386, MONDO:0015356.

Submission:

Color Diagnostics, LLC DBA Color Health
Classification: Likely pathogenic for Hereditary cancer-predisposing syndrome. Last evaluated: 2022-01-31. Review status: criteria provided, single submitter. Criteria: ACMG Guidelines, 2015. Collection method: clinical testing. Allele origin: germline.
Comment: This variant causes the deletion of 1 nucleotide at the -1 position of intron 39 of the ATM gene. Splice site prediction tools predict that this variant may have a significant impact on RNA splicing. Although this prediction has not been confirmed in published RNA studies, this variant is expected to result in an absent or disrupted protein product. This variant has not been reported in individuals affected with hereditary cancer in the literature. This variant has not been identified in the general population by the Genome Aggregation Database (gnomAD). Loss of ATM function is a known mechanism of disease. Based on the available evidence, this variant is classified as Likely Pathogenic.